The following is an entry in ClinVar:

NM_005911.6(MAT2A):c.18C>A (p.Asn6Lys)

Gene: MAT2A (methionine adenosyltransferase 2A; plus strand). Cytogenetic location: 2p11.2.
Variant type: single nucleotide variant.
Coding change: c.18C>A on transcript NM_005911.6 (MANE Select); coding-DNA position 18, C replaced by A.
Protein change: p.Asn6Lys; replaces asparagine 6 with lysine.
Molecular consequence: missense variant.
Genome position (GRCh38, 1-based): chr2:85,539,305, C>A. VCF-style: chr2-85539305-C-A. GRCh37 (hg19) VCF-style: chr2-85766428-C-A.
Other names: short protein forms N6K.
Identifiers: ClinVar variation 4726203 (VCV004726203.1).

ClinVar aggregate classification (germline): Uncertain significance (1 of 4 stars; one submission).

Conditions:
Familial thoracic aortic aneurysm and aortic dissection (TAAD). Also called: Thoracic aortic aneurysms and dissections. Identifiers: Orphanet 91387, MedGen C4707243, MONDO:0019625.

Submission:

Labcorp Genetics (formerly Invitae), Labcorp
Classification: Uncertain significance for Familial thoracic aortic aneurysm and aortic dissection. Last evaluated: 2025-08-29. Review status: criteria provided, single submitter. Criteria: Invitae Variant Classification Sherloc (09022015). Collection method: clinical testing. Allele origin: germline.
Comment: This sequence change replaces asparagine, which is neutral and polar, with lysine, which is basic and polar, at codon 6 of the MAT2A protein (p.Asn6Lys). This variant is not present in population databases (gnomAD no frequency). This variant has not been reported in the literature in individuals affected with MAT2A-related conditions. An algorithm developed to predict the effect of missense changes on protein structure and function (PolyPhen-2) suggests that this variant is likely to be tolerated. In summary, the available evidence is currently insufficient to determine the role of this variant in disease. Therefore, it has been classified as a Variant of Uncertain Significance.